The following is an entry in ClinVar:

NM_032217.5(ANKRD17):c.7040C>T (p.Ser2347Leu)

Gene: ANKRD17 (ankyrin repeat domain 17; minus strand). Cytogenetic location: 4q13.3.
Variant type: single nucleotide variant.
Coding change: c.7040C>T on transcript NM_032217.5 (MANE Select); coding-DNA position 7040, C replaced by T.
Protein change: p.Ser2347Leu; replaces serine 2347 with leucine.
Molecular consequence: missense variant.
Genome position (GRCh38, 1-based): chr4:73,085,368, G>A on the plus strand (C>T on the coding strand, the complement: ANKRD17 is on the minus strand). VCF-style: chr4-73085368-G-A. GRCh37 (hg19) VCF-style: chr4-73951085-G-A.
Other names: c.6701C>T, p.Ser2234Leu (NM_001286771.3); c.7037C>T, p.Ser2346Leu (NM_015574.2); c.6287C>T, p.Ser2096Leu (NM_198889.3); c.7040C>T (NM_032217.4); short protein forms S2096L, S2234L, S2346L, S2347L.
Identifiers: ClinVar variation 1690545 (VCV001690545.4), dbSNP rs2110121568, ClinGen allele CA357208618.

ClinVar aggregate classification (germline): Uncertain significance. Review status: criteria provided, single submitter (1 of 4 stars). 2 submissions from 2 submitters: Uncertain significance (1). 1 of the submissions does not count toward it. Last evaluated 2022-01-18.

Conditions:
ANKRD17-related disorder. Also called: ANKRD17-related condition.

Submissions (2):

Laboratorio de Genetica e Diagnostico Molecular, Hospital Israelita Albert Einstein
Classification: Uncertain significance. Last evaluated: 2022-01-18. Review status: criteria provided, single submitter. Criteria: ACMG Guidelines, 2015. Collection method: clinical testing. Allele origin: germline. Affected: yes.
Comment: ACMG classification criteria: PM2, BP4

PreventionGenetics, part of Exact Sciences
Classification: Uncertain significance for ANKRD17-related condition. Last evaluated: 2024-06-28. Review status: no assertion criteria provided. Collection method: clinical testing. Allele origin: germline. Not counted in ClinVar's aggregate classification.
Comment: The ANKRD17 c.7040C>T variant is predicted to result in the amino acid substitution p.Ser2347Leu. To our knowledge, this variant has not been reported in the literature or in gnomAD, indicating this variant is rare. At this time, the clinical significance of this variant is uncertain due to the absence of conclusive functional and genetic evidence.